The following is an entry in ClinVar:

NM_001172779.2(LRRC34):c.890G>A (p.Arg297His)

Gene: LRRC34 (leucine rich repeat containing 34; minus strand). Cytogenetic location: 3q26.2.
Variant type: single nucleotide variant.
Coding change: c.890G>A on transcript NM_001172779.2 (MANE Select); coding-DNA position 890, G replaced by A.
Protein change: p.Arg297His; replaces arginine 297 with histidine.
Molecular consequence: missense variant.
Genome position (GRCh38, 1-based): chr3:169,796,763, C>T on the plus strand (G>A on the coding strand, the complement: LRRC34 is on the minus strand). VCF-style: chr3-169796763-C-T. GRCh37 (hg19) VCF-style: chr3-169514551-C-T.
Other names: c.890G>A, p.Arg297His (NM_001172780.2); c.707G>A, p.Arg236His (NM_001363888.2, NM_001370609.1); c.704G>A, p.Arg235His (NM_001370608.1); c.794G>A, p.Arg265His (NM_153353.5); short protein forms R236H, R297H, R235H, R265H.
Identifiers: ClinVar variation 1431953 (VCV001431953.6), dbSNP rs143470723, ClinGen allele CA2697587.

ClinVar aggregate classification (germline): Uncertain significance (1 of 4 stars; one submission).

Allele frequency attached by ClinVar (database versions not stated): TOPMed 0.00003; gnomAD exomes 0.00004; 1000 Genomes Project 30x 0.00016; 1000 Genomes Project 0.00020; gnomAD 0.00001 and 0.00003; ExAC 0.00003.
gnomAD v4.1: 54 of 1,605,874 alleles (0.0034%); highest among the groups gnomAD compares: East Asian, 0.052%; no homozygotes.

Submission:

Labcorp Genetics (formerly Invitae), Labcorp
Classification: Uncertain significance. Last evaluated: 2024-09-10. Review status: criteria provided, single submitter. Criteria: Invitae Variant Classification Sherloc (09022015). Collection method: clinical testing. Allele origin: germline.
Comment: This sequence change replaces arginine, which is basic and polar, with histidine, which is basic and polar, at codon 297 of the LRRC34 protein (p.Arg297His). This variant is present in population databases (rs143470723, gnomAD 0.01%). This variant has not been reported in the literature in individuals affected with LRRC34-related conditions. ClinVar contains an entry for this variant (Variation ID: 1431953). An algorithm developed to predict the effect of missense changes on protein structure and function (PolyPhen-2) suggests that this variant is likely to be tolerated. In summary, the available evidence is currently insufficient to determine the role of this variant in disease. Therefore, it has been classified as a Variant of Uncertain Significance.